The following is an entry in ClinVar:

ClinVar aggregate classification (germline): Uncertain significance. Review status: criteria provided, multiple submitters, no conflicts (2 of 4 stars). 4 submissions from 4 submitters: Uncertain significance (4). Last evaluated 2026-05-18.

Conditions:
Autosomal recessive limb-girdle muscular dystrophy type 2J (LGMDR10). Also called: Limb-girdle muscular dystrophy, type 2J; MUSCULAR DYSTROPHY, LIMB-GIRDLE, AUTOSOMAL RECESSIVE 10. Identifiers: Orphanet 140922, MedGen C1837342, MONDO:0012127, OMIM 608807.
Dilated cardiomyopathy 1G (CMD1G). Identifiers: Orphanet 154, MedGen C1858763, MONDO:0011400, OMIM 604145.
TTN-related disorder. Also called: TTN-related condition; TTN-related disease; TTN-related disorders.

Allele frequency attached by ClinVar (database versions not stated): ExAC 0.00001; gnomAD 0.00002; gnomAD exomes 0.00002 and 0.00004; TOPMed 0.00003.
gnomAD v4.1: 56 of 1,611,484 alleles (0.0035%); highest among the groups gnomAD compares: Non-Finnish European, 0.0044%; no homozygotes.

Submissions (4):

PreventionGenetics, part of Exact Sciences
Classification: Uncertain significance for TTN-related condition. Last evaluated: 2026-05-18. Review status: criteria provided, single submitter. Criteria: ACMG Guidelines, 2015. Collection method: clinical testing. Allele origin: germline.
Comment: The TTN c.52373T>C variant is predicted to result in the amino acid substitution p.Val17458Ala. This variant has been reported as a variant of uncertain significance in a cohort study of individuals with left ventricular non‑compaction (Table S2, Richard et al. 2019. PubMed ID: 30471092). This variant is reported in 0.0032% of alleles in individuals of European (Non-Finnish) descent in gnomAD. At this time, the clinical significance of this variant is uncertain due to the absence of conclusive functional and genetic evidence.

Women's Health and Genetics/Laboratory Corporation of America, LabCorp
Classification: Uncertain significance. Last evaluated: 2025-09-16. Review status: criteria provided, single submitter. Criteria: LabCorp Variant Classification Summary - May 2015. Collection method: clinical testing. Allele origin: germline.
Comment: Variant summary: TTN c.44669T>C (p.Val14890Ala) results in a non-conservative amino acid change in the encoded protein sequence. Algorithms developed to predict the effect of missense changes on protein structure and function are either unavailable or do not agree on the potential impact of this missense change. The variant allele was found at a frequency of 1.6e-05 in 245376 control chromosomes. The available data on variant occurrences in the general population are insufficient to allow any conclusion about variant significance. c.44669T>C has been observed in individual(s) affected with Left ventricular non-compaction without strong evidence for causality (e.g. Richard_2019). These report(s) do not provide unequivocal conclusions about association of the variant with Autosomal Recessive Titinopathy. To our knowledge, no experimental evidence demonstrating an impact on protein function has been reported. The following publication has been ascertained in the context of this evaluation (PMID: 30471092). ClinVar contains an entry for this variant (Variation ID: 467244). Based on the evidence outlined above, the variant was classified as uncertain significance.

GeneDx
Classification: Uncertain significance. Last evaluated: 2025-01-29. Review status: criteria provided, single submitter. Criteria: GeneDx Variant Classification Process June 2021. Collection method: clinical testing. Allele origin: germline. Affected: yes.
Comment: Not observed at significant frequency in large population cohorts (gnomAD); Missense variant in a gene in which most reported pathogenic variants are truncating/loss of function; Has not been previously published as pathogenic or benign to our knowledge

Labcorp Genetics (formerly Invitae), Labcorp
Classification: Uncertain significance for Dilated cardiomyopathy 1G; Autosomal recessive limb-girdle muscular dystrophy type 2J. Last evaluated: 2017-03-16. Review status: criteria provided, single submitter. Criteria: Invitae Variant Classification Sherloc (09022015). Collection method: clinical testing. Allele origin: germline.

Literature cited by the submitters: PubMed 30471092 (cited by Women's Health and Genetics/Laboratory Corporation of America, LabCorp).

NM_001267550.2(TTN):c.52373T>C (p.Val17458Ala)

Genes: TTN (titin; minus strand), TTN-AS1 (TTN antisense RNA 1; plus strand). Cytogenetic location: 2q31.2.
Variant type: single nucleotide variant.
Coding change: c.52373T>C on transcript NM_001267550.2 (MANE Select); coding-DNA position 52373, T replaced by C.
Protein change: p.Val17458Ala; replaces valine 17458 with alanine.
Molecular consequence: missense variant.
Genome position (GRCh38, 1-based): chr2:178,608,638, A>G on the plus strand (T>C on the coding strand, the complement: TTN is on the minus strand). VCF-style: chr2-178608638-A-G. GRCh37 (hg19) VCF-style: chr2-179473365-A-G.
Other names: c.52373T>C (NM_001267550.1); c.47450T>C, p.Val15817Ala (NM_001256850.1); c.25178T>C, p.Val8393Ala (NM_003319.4); c.44669T>C, p.Val14890Ala (NM_133378.4); c.25553T>C, p.Val8518Ala (NM_133432.3); c.25754T>C, p.Val8585Ala (NM_133437.4); short protein forms V17458A, V8518A, V14890A, V8585A, V15817A, V8393A.
Identifiers: ClinVar variation 467244 (VCV000467244.6), dbSNP rs760430370, ClinGen allele CA1994009.